The following is an entry in ClinVar:

NM_133379.5(TTN):c.13948C>T (p.Pro4650Ser)

Genes: TTN (titin; minus strand), LOC126806432 (CDK7 strongly-dependent group 2 enhancer GRCh37_chr2:179611985-179613184; plus strand). Cytogenetic location: 2q31.2.
Variant type: single nucleotide variant.
Coding change: c.13948C>T on transcript NM_133379.5; coding-DNA position 13948, C replaced by T.
Protein change: p.Pro4650Ser; replaces proline 4650 with serine.
Molecular consequence: missense variant. On other transcripts: intron variant (6).
Genome position (GRCh38, 1-based): chr2:178,748,452, G>A on the plus strand (C>T on the coding strand, the complement: TTN is on the minus strand). VCF-style: chr2-178748452-G-A. GRCh37 (hg19) VCF-style: chr2-179613179-G-A.
Other names: p.P4650S:CCT>TCT; c.13948C>T (NM_133379.4); c.10360+4672C>T (NM_133378.4, NM_001256850.1); c.10222+4672C>T (NM_003319.4); c.10798+4672C>T (NM_133437.4); c.10597+4672C>T (NM_133432.3); c.11311+4672C>T (NM_001267550.2); short protein forms P4650S.
Identifiers: ClinVar variation 47765 (VCV000047765.69), dbSNP rs149748934, ClinGen allele CA141850.

ClinVar aggregate classification (germline): Benign/Likely benign. Review status: criteria provided, multiple submitters, no conflicts (2 of 4 stars). 15 submissions from 15 submitters: Benign (2); Likely benign (8). 5 of the submissions do not count toward it. Last evaluated 2026-09-01.

Conditions:
Limb-girdle muscular dystrophy (LGMD). Also called: Muscular Dystrophies, Limb-Girdle. Identifiers: Orphanet 263, MedGen C0686353, MeSH D049288, MONDO:0016971, HP:0006785.
Tibial muscular dystrophy (TMD). Also called: Tibial muscular dystrophy, tardive; Udd Distal Myopathy – Tibial Muscular Dystrophy; UDD MYOPATHY. Identifiers: Orphanet 609, MedGen C1838244, MONDO:0010870, OMIM 600334.

Allele frequency attached by ClinVar (database versions not stated): 1000 Genomes Project 0.00120; 1000 Genomes Project 30x 0.00187; gnomAD 0.00224 and 0.00240; TOPMed 0.00250; ESP Exome Variant Server 0.00323; gnomAD exomes 0.00198 and 0.00355; ExAC 0.00196.
gnomAD v4.1: 5,467 of 1,612,962 alleles (0.34%); highest among the groups gnomAD compares: Non-Finnish European, 0.43%; 11 homozygotes.

Submissions (15):

CeGaT Center for Human Genetics Tuebingen
Classification: Likely benign. Last evaluated: 2026-09-01. Review status: criteria provided, single submitter. Criteria: CeGaT Center For Human Genetics Tuebingen Variant Classification Criteria Version 2. Collection method: clinical testing. Allele origin: germline. Affected: yes. Observed: 32 variant alleles.
Comment: TTN: BP4, BS2

Molecular Diagnostic Laboratory for Inherited Cardiovascular Disease, Montreal Heart Institute
Classification: Likely benign. Last evaluated: 2025-04-09. Review status: criteria provided, single submitter. Criteria: ACMG Guidelines, 2015. Collection method: clinical testing. Allele origin: germline. Affected: no.

Blueprint Genetics
Classification: Likely benign. Last evaluated: 2024-11-26. Review status: criteria provided, single submitter. Criteria: ACMG Guidelines, 2015. Collection method: clinical testing. Allele origin: germline.

ARUP Laboratories, Molecular Genetics and Genomics, ARUP Laboratories
Classification: Likely benign. Last evaluated: 2024-04-17. Review status: criteria provided, single submitter. Criteria: ARUP Molecular Germline Variant Investigation Process 2024. Collection method: clinical testing. Allele origin: germline.

Cambridge Genomics Laboratory, East Genomic Laboratory Hub, NHS Genomic Medicine Service
Classification: Benign for Limb-girdle muscular dystrophy. Last evaluated: 2019-04-17. Review status: criteria provided, single submitter. Criteria: ACGS Best Practice Guidelines for Variant Classification in Rare Disease 2020. Collection method: clinical testing. Allele origin: germline. Affected: yes. Observed: 1 variant allele.

GeneDx
Classification: Benign. Last evaluated: 2019-01-02. Review status: criteria provided, single submitter. Criteria: GeneDx Variant Classification Process June 2021. Collection method: clinical testing. Allele origin: germline. Affected: yes.

Phosphorus, Inc.
Classification: Likely benign for Tibial muscular dystrophy. Last evaluated: 2017-08-01. Review status: criteria provided, single submitter. Criteria: ACMG Guidelines, 2015. Collection method: clinical testing. Allele origin: germline. Observed: 1 variant allele.

Eurofins Ntd Llc (ga)
Classification: Likely benign. Last evaluated: 2016-09-06. Review status: criteria provided, single submitter. Criteria: EGL Classification Definitions 2015. Collection method: clinical testing. Allele origin: germline. Observed: 1 variant allele, 1 heterozygote.

Laboratory for Molecular Medicine, Mass General Brigham Personalized Medicine
Classification: Likely benign. Last evaluated: 2015-09-10. Review status: criteria provided, single submitter. Criteria: LMM Criteria. Collection method: clinical testing. Allele origin: germline. Observed: 10 variant alleles.
Comment: p.Pro4650Ser in exon 45A of TTN: This variant is not expected to have clinical s ignificance because it has been identified in 0.3% (209/66040) of European chrom osomes by the Exome Aggregation Consortium (ExAC ; dbSNP rs149748934).

Biesecker Lab/Clinical Genomics Section, National Institutes of Health
Classification: Likely benign. Last evaluated: 2013-06-24. Review status: criteria provided, single submitter. Criteria: Ng et al. (Circ Cardiovasc Genet. 2013). Collection method: research. Allele origin: unknown. Observed: 5 variant alleles. Study: ClinSeq.
Comment: The study set was not selected for affection status in relation to any cancer. Pathogenicity categories were based on literature curation. See Pubmed ID:23861362 for details.

Medical sequencing

Clinical Genetics DNA and cytogenetics Diagnostics Lab, Erasmus MC, Erasmus Medical Center
Classification: Likely benign. Review status: no assertion criteria provided. Collection method: clinical testing. Allele origin: germline. Affected: yes. Study: VKGL Data-share Consensus. Not counted in ClinVar's aggregate classification.

Clinical Genetics, Academic Medical Center
Classification: Benign. Review status: no assertion criteria provided. Collection method: clinical testing. Allele origin: germline. Affected: yes. Study: VKGL Data-share Consensus. Not counted in ClinVar's aggregate classification.

Diagnostic Laboratory, Department of Genetics, University Medical Center Groningen
Classification: Likely benign. Review status: no assertion criteria provided. Collection method: clinical testing. Allele origin: germline. Affected: yes. Study: VKGL Data-share Consensus. Not counted in ClinVar's aggregate classification.

Joint Genome Diagnostic Labs from Nijmegen and Maastricht, Radboudumc and MUMC+
Classification: Likely benign. Review status: no assertion criteria provided. Collection method: clinical testing. Allele origin: germline. Affected: yes. Study: VKGL Data-share Consensus. Not counted in ClinVar's aggregate classification.

Laboratory of Diagnostic Genome Analysis, Leiden University Medical Center (LUMC)
Classification: Likely benign. Review status: no assertion criteria provided. Collection method: clinical testing. Allele origin: germline. Affected: yes. Study: VKGL Data-share Consensus. Not counted in ClinVar's aggregate classification.

Literature cited by the submitters: PubMed 23861362 (cited by Phosphorus, Inc.).